The following is an entry in ClinVar:

NM_000443.4(ABCB4):c.3590T>C (p.Leu1197Pro)

Gene: ABCB4 (ATP binding cassette subfamily B member 4; minus strand). Cytogenetic location: 7q21.12.
Variant type: single nucleotide variant.
Coding change: c.3590T>C on transcript NM_000443.4 (MANE Select); coding-DNA position 3590, T replaced by C.
Protein change: p.Leu1197Pro; replaces leucine 1197 with proline.
Molecular consequence: missense variant.
Genome position (GRCh38, 1-based): chr7:87,403,178, A>G on the plus strand (T>C on the coding strand, the complement: ABCB4 is on the minus strand). VCF-style: chr7-87403178-A-G. GRCh37 (hg19) VCF-style: chr7-87032494-A-G.
Other names: c.3611T>C, p.Leu1204Pro (NM_018849.3); c.3449T>C, p.Leu1150Pro (NM_018850.3); short protein forms L1150P, L1197P, L1204P.
Identifiers: ClinVar variation 3391266 (VCV003391266.1).

ClinVar aggregate classification (germline): Uncertain significance (1 of 4 stars; one submission).

Conditions:
Progressive familial intrahepatic cholestasis type 3. Also called: Low Gamma-GT Familial Intrahepatic Cholestasis; MDR3 DEFICIENCY. Identifiers: Orphanet 79305, MedGen C1865643, MONDO:0011214, OMIM 602347.

Submission:

Neuberg Centre For Genomic Medicine, NCGM
Classification: Uncertain significance for Progressive familial intrahepatic cholestasis type 3. Last evaluated: 2023-07-22. Review status: criteria provided, single submitter. Criteria: ACMG Guidelines, 2015. Collection method: clinical testing. Allele origin: germline. Inheritance: Autosomal recessive inheritance. Affected: yes.
Comment: The missense variant c.3590T>C p.Leu1197Pro in the ABCB4 gene has not been reported previously as a pathogenic variant nor as a benign variant, to our knowledge. This variant is absent in the gnomAD Exomes. The amino acid Leucine at position 1197 is changed to a Proline changing protein sequence and it might alter its composition and physico-chemical properties. Multiple lines of computational evidence Polyphen - Damaging, SIFT - Damaging and MutationTaster - Disease causing predict a damaging effect on protein structure and function for this variant. The amino acid change p.Leu1197Pro in ABCB4 is predicted as conserved by GERP++ and PhyloP across 100 vertebrates. For these reasons, this variant has been classified as Uncertain Significance.